The following is an entry in ClinVar:

ClinVar aggregate classification (germline): Uncertain significance (1 of 4 stars; one submission).

Submission:

GeneDx
Classification: Uncertain significance. Last evaluated: 2023-06-11. Review status: criteria provided, single submitter. Criteria: GeneDx Variant Classification Process June 2021. Collection method: clinical testing. Allele origin: germline. Affected: yes.
Comment: Not observed at significant frequency in large population cohorts (gnomAD); In silico analysis supports that this missense variant does not alter protein structure/function; Has not been previously published as pathogenic or benign to our knowledge

NM_182931.3(KMT2E):c.4117T>G (p.Phe1373Val)

Gene: KMT2E (lysine methyltransferase 2E (inactive); plus strand). Cytogenetic location: 7q22.3.
Variant type: single nucleotide variant.
Coding change: c.4117T>G on transcript NM_182931.3 (MANE Select); coding-DNA position 4117, T replaced by G.
Protein change: p.Phe1373Val; replaces phenylalanine 1373 with valine.
Molecular consequence: missense variant.
Genome position (GRCh38, 1-based): chr7:105,111,873, T>G. VCF-style: chr7-105111873-T-G. GRCh37 (hg19) VCF-style: chr7-104752320-T-G.
Other names: c.3991T>G, p.Phe1331Val (NM_001410908.1); c.4117T>G, p.Phe1373Val (NM_018682.4); short protein forms F1331V, F1373V.
Identifiers: ClinVar variation 3359766 (VCV003359766.1).